The following is an entry in ClinVar:

NM_003737.4(DCHS1):c.1526C>T (p.Thr509Ile)

Gene: DCHS1 (dachsous cadherin-related 1; minus strand). Cytogenetic location: 11p15.4.
Variant type: single nucleotide variant.
Coding change: c.1526C>T on transcript NM_003737.4 (MANE Select); coding-DNA position 1526, C replaced by T.
Protein change: p.Thr509Ile; replaces threonine 509 with isoleucine.
Molecular consequence: missense variant.
Genome position (GRCh38, 1-based): chr11:6,640,088, G>A on the plus strand (C>T on the coding strand, the complement: DCHS1 is on the minus strand). VCF-style: chr11-6640088-G-A. GRCh37 (hg19) VCF-style: chr11-6661319-G-A.
Other names: c.1526C>T (NM_003737.2); short protein forms T509I.
Identifiers: ClinVar variation 3616225 (VCV003616225.3).

ClinVar aggregate classification (germline): Uncertain significance. Review status: criteria provided, multiple submitters, no conflicts (2 of 4 stars). 2 submissions from 2 submitters: Uncertain significance (2). Last evaluated 2025-12-15.

Conditions:
Inborn genetic diseases. Identifiers: MedGen C0950123, MeSH D030342.

gnomAD v4.1: 3 of 1,613,892 alleles (0.00019%); highest among the groups gnomAD compares: Non-Finnish European, 0.00017%; no homozygotes.

Submissions (2):

Ambry Genetics
Classification: Uncertain significance for Inborn genetic diseases. Last evaluated: 2025-12-15. Review status: criteria provided, single submitter. Criteria: Ambry Variant Classification Scheme 2023. Collection method: clinical testing. Allele origin: germline.

Labcorp Genetics (formerly Invitae), Labcorp
Classification: Uncertain significance. Last evaluated: 2024-12-23. Review status: criteria provided, single submitter. Criteria: Invitae Variant Classification Sherloc (09022015). Collection method: clinical testing. Allele origin: germline.
Comment: This sequence change replaces threonine, which is neutral and polar, with isoleucine, which is neutral and non-polar, at codon 509 of the DCHS1 protein (p.Thr509Ile). This variant is present in population databases (rs755716427, gnomAD 0.0009%). This variant has not been reported in the literature in individuals affected with DCHS1-related conditions. Invitae Evidence Modeling of protein sequence and biophysical properties (such as structural, functional, and spatial information, amino acid conservation, physicochemical variation, residue mobility, and thermodynamic stability) indicates that this missense variant is not expected to disrupt DCHS1 protein function with a negative predictive value of 80%. In summary, the available evidence is currently insufficient to determine the role of this variant in disease. Therefore, it has been classified as a Variant of Uncertain Significance.